The following is an entry in ClinVar:

ClinVar aggregate classification (germline): Uncertain significance. Review status: criteria provided, multiple submitters, no conflicts (2 of 4 stars). 2 submissions from 2 submitters: Uncertain significance (2). Last evaluated 2025-06-07.

Conditions:
Inborn genetic diseases. Identifiers: MedGen C0950123, MeSH D030342.

gnomAD v4.1: 3 of 1,613,800 alleles (0.00019%); highest among the groups gnomAD compares: Non-Finnish European, 0.00025%; no homozygotes.

Submissions (2):

Ambry Genetics
Classification: Uncertain significance for Inborn genetic diseases. Last evaluated: 2025-06-07. Review status: criteria provided, single submitter. Criteria: Ambry Variant Classification Scheme 2023. Collection method: clinical testing. Allele origin: germline.

Labcorp Genetics (formerly Invitae), Labcorp
Classification: Uncertain significance. Last evaluated: 2023-10-14. Review status: criteria provided, single submitter. Criteria: Invitae Variant Classification Sherloc (09022015). Collection method: clinical testing. Allele origin: germline.
Comment: This sequence change replaces proline, which is neutral and non-polar, with threonine, which is neutral and polar, at codon 333 of the SLC4A11 protein (p.Pro333Thr). This variant is present in population databases (rs546282306, gnomAD 0.0009%). This variant has not been reported in the literature in individuals affected with SLC4A11-related conditions. An algorithm developed to predict the effect of missense changes on protein structure and function (PolyPhen-2) suggests that this variant is likely to be disruptive. In summary, the available evidence is currently insufficient to determine the role of this variant in disease. Therefore, it has been classified as a Variant of Uncertain Significance.

NM_001174089.2(SLC4A11):c.949C>A (p.Pro317Thr)

Gene: SLC4A11 (solute carrier family 4 member 11; minus strand). Cytogenetic location: 20p13.
Variant type: single nucleotide variant.
Coding change: c.949C>A on transcript NM_001174089.2 (MANE Select); coding-DNA position 949, C replaced by A.
Protein change: p.Pro317Thr; replaces proline 317 with threonine.
Molecular consequence: missense variant. On other transcripts: non-coding transcript variant (3).
Genome position (GRCh38, 1-based): chr20:3,231,242, G>T on the plus strand (C>A on the coding strand, the complement: SLC4A11 is on the minus strand). VCF-style: chr20-3231242-G-T. GRCh37 (hg19) VCF-style: chr20-3211888-G-T.
Other names: c.1078C>A, p.Pro360Thr (NM_001174090.2, NM_001400280.1); c.949C>A, p.Pro317Thr (NM_001363745.2); c.892C>A, p.Pro298Thr (NM_001400277.1, NM_001400278.1, NM_001400279.1); c.997C>A, p.Pro333Thr (NM_032034.4); c.997C>A (NM_032034.3); short protein forms P360T, P298T, P333T, P317T.
Identifiers: ClinVar variation 2883187 (VCV002883187.2), dbSNP rs546282306, ClinGen allele CA9742057.